The following is an entry in ClinVar:

NM_001100913.3(PACS2):c.2597T>C (p.Val866Ala)

Gene: PACS2 (phosphofurin acidic cluster sorting protein 2; plus strand). Cytogenetic location: 14q32.33.
Variant type: single nucleotide variant.
Coding change: c.2597T>C on transcript NM_001100913.3 (MANE Select); coding-DNA position 2597, T replaced by C.
Protein change: p.Val866Ala; replaces valine 866 with alanine.
Molecular consequence: missense variant.
Genome position (GRCh38, 1-based): chr14:105,394,554, T>C. VCF-style: chr14-105394554-T-C. GRCh37 (hg19) VCF-style: chr14-105860891-T-C.
Other names: c.2327T>C, p.Val776Ala (NM_001243127.3); c.2552T>C, p.Val851Ala (NM_015197.4); short protein forms V776A, V851A, V866A.
Identifiers: ClinVar variation 1462192 (VCV001462192.8), dbSNP rs2141330768, ClinGen allele CA391190307.
Genomic context (GRCh38, chr14:105,394,554, plus strand): 5'-GGTGGATAGGGTGGGCAGGCCGGGCAGGGGGGCAGGCGGTCAGGCAGCCCTCTCCCACAG[T>C]CCTCATCGACGGCGTGGAGTGCAGCGACGTCAAGTTCTTCCAGCTGGCCGCGCAGTGGTC-3'
Protein context (NP_001094383.2, residues 856-876): TARQQQNMLR[Val866Ala]LIDGVECSDV

ClinVar aggregate classification (germline): Uncertain significance (1 of 4 stars; one submission).

Submission:

Labcorp Genetics (formerly Invitae), Labcorp
Classification: Uncertain significance. Last evaluated: 2021-06-19. Review status: criteria provided, single submitter. Criteria: Invitae Variant Classification Sherloc (09022015). Collection method: clinical testing. Allele origin: germline.
Comment: In summary, the available evidence is currently insufficient to determine the role of this variant in disease. Therefore, it has been classified as a Variant of Uncertain Significance. Algorithms developed to predict the effect of missense changes on protein structure and function are either unavailable or do not agree on the potential impact of this missense change (SIFT: "Deleterious"; PolyPhen-2: "Probably Damaging"; Align-GVGD: "Class C0"). This variant has not been reported in the literature in individuals with PACS2-related conditions. This variant is not present in population databases (ExAC no frequency). This sequence change replaces valine with alanine at codon 866 of the PACS2 protein (p.Val866Ala). The valine residue is highly conserved and there is a small physicochemical difference between valine and alanine.